The following is an entry in ClinVar:

NM_006904.7(PRKDC):c.9947T>C (p.Leu3316Ser)

Gene: PRKDC (protein kinase, DNA-activated, catalytic subunit; minus strand). Cytogenetic location: 8q11.21.
Variant type: single nucleotide variant.
Coding change: c.9947T>C on transcript NM_006904.7 (MANE Select); coding-DNA position 9947, T replaced by C.
Protein change: p.Leu3316Ser; replaces leucine 3316 with serine.
Molecular consequence: missense variant.
Genome position (GRCh38, 1-based): chr8:47,800,962, A>G on the plus strand (T>C on the coding strand, the complement: PRKDC is on the minus strand). VCF-style: chr8-47800962-A-G. GRCh37 (hg19) VCF-style: chr8-48713523-A-G.
Other names: c.9947T>C, p.Leu3316Ser (NM_001081640.2); short protein forms L3316S.
Identifiers: ClinVar variation 1352046 (VCV001352046.6), dbSNP rs2154498231, ClinGen allele CA371135916.
Genomic context (GRCh38, chr8:47,800,962, plus strand): 5'-ATCCTGTAAGTTGTACCCAAGAGAATGTTCTGGTCACGGAAAGCCAGAATATTTTTGCTT[A>G]AGTAGCTTGACACGTTGTTCTCATCTGTTGGATTAAAAAAACAAAACAAAACAAAATTTT-3'
Protein context (NP_008835.5, residues 3306-3326): LLDENNVSSY[Leu3316Ser]SKNILAFRDQ

ClinVar aggregate classification (germline): Uncertain significance (1 of 4 stars; one submission).

Conditions:
Severe combined immunodeficiency due to DNA-PKcs deficiency. Also called: Immunodeficiency 26 with or without neurologic abnormalities; IMMUNODEFICIENCY 26 WITH NEUROLOGIC ABNORMALITIES. Identifiers: Orphanet 317425, MedGen C4014833, MONDO:0014423, OMIM 615966.

Submission:

Labcorp Genetics (formerly Invitae), Labcorp
Classification: Uncertain significance for Severe combined immunodeficiency due to DNA-PKcs deficiency. Last evaluated: 2024-01-15. Review status: criteria provided, single submitter. Criteria: Invitae Variant Classification Sherloc (09022015). Collection method: clinical testing. Allele origin: germline.
Comment: This sequence change replaces leucine with serine at codon 3316 of the PRKDC protein (p.Leu3316Ser). The leucine residue is moderately conserved and there is a large physicochemical difference between leucine and serine. This variant is not present in population databases (gnomAD no frequency). This variant has not been reported in the literature in individuals affected with PRKDC-related conditions. ClinVar contains an entry for this variant (Variation ID: 1352046). Advanced modeling of protein sequence and biophysical properties (such as structural, functional, and spatial information, amino acid conservation, physicochemical variation, residue mobility, and thermodynamic stability) performed at Invitae indicates that this missense variant is not expected to disrupt PRKDC protein function with a negative predictive value of 80%. In summary, the available evidence is currently insufficient to determine the role of this variant in disease. Therefore, it has been classified as a Variant of Uncertain Significance.